The following is an entry in ClinVar:

ClinVar aggregate classification (germline): Uncertain significance (3 of 4 stars; one submission).

Conditions:
Monogenic diabetes. Identifiers: Orphanet 183625, MedGen C3888631, MONDO:0015967.

Submission:

ClinGen Monogenic Diabetes Variant Curation Expert Panel
Classification: Uncertain significance for Monogenic diabetes. Last evaluated: 2025-04-23. Review status: reviewed by expert panel. Criteria: ClinGen Diabetes ACMG Specifications HNF4A V2.0.0. Collection method: curation. Allele origin: germline. Inheritance: Autosomal dominant inheritance.
Comment: The c.945_946insGTC variant in the hepatic nuclear factor 4-alpha, HNF4A, is a three base pair insertion resulting in the in-frame addition of one amino acid at codon 315 (p.(Leu315_Leu316)) within exon 8 of NM_175914.5. This variant is absent from gnomAD v2.1.1 (PM2_Supporting). The total protein length changes as a result of this single amino acid insertion (PM4_Supporting). This variant is located within the ligand binding of HNF4A, which is critical for the protein’s function (PM1_Supporting). This variant was identified in an individual with a clinical history highly specific for HNF4A-monogenic diabetes (MODY probability calculator result >50%, negative genetic testing for HNF1A, and negative autoantibodies) (PP4_Moderate; PMID:10447526, internal lab contributors). In summary, c.945_946insGTC meets the criteria to be classified as a variant of uncertain significance for monogenic diabetes. ACMG/AMP criteria applied, as specified by the ClinGen MDEP (specification version 2.0.0, approved 10/11/2023): PM2_Supporting, PM1_Supporting, PM4_Supporting, PP4_Moderate.

Literature cited by the submitters: PubMed 10447526.

NM_175914.5(HNF4A):c.945_946insGTC (p.Leu315_Leu316insVal)

Gene: HNF4A (hepatocyte nuclear factor 4 alpha; plus strand). Cytogenetic location: 20q13.12.
Variant type: Insertion.
Coding change: c.945_946insGTC on transcript NM_175914.5 (MANE Select); coding-DNA positions 945 to 946, GTC inserted.
Protein change: p.Leu315_Leu316insVal.
Genome position: GRCh38 VCF-style: chr20-44424136-G-GGTC. GRCh37 (hg19) VCF-style: chr20-43052776-G-GGTC.
Other names: NM_175914.5:c.945_946insGTC; c.1011_1012insGTC, p.Leu337_Leu338insVal (NM_000457.6, NM_178849.3, NM_178850.3); c.945_946insGTC, p.Leu315_Leu316insVal (NM_001030003.3, NM_001030004.3); c.990_991insGTC, p.Leu330_Leu331insVal (NM_001258355.2); c.936_937insGTC, p.Leu312_Leu313insVal (NM_001287182.2, NM_001287183.2, NM_001287184.2).
Identifiers: ClinVar variation 3893276 (VCV003893276.1).